The following is an entry in ClinVar:

ClinVar aggregate classification (germline): Conflicting classifications of pathogenicity. Review status: criteria provided, conflicting classifications (1 of 4 stars). 8 submissions from 8 submitters: Uncertain significance (7); Likely benign (1). Last evaluated 2025-12-18.

Conditions:
RAF1-related disorder. Also called: RAF1-related condition; RAF1-related disorders.
Cardiovascular phenotype. Identifiers: MedGen CN230736.
RASopathy. Also called: Noonan spectrum disorder; rasopathies. Identifiers: Orphanet 536391, MedGen C5555857, MONDO:0021060.
Noonan syndrome 5 (NS5). Also called: RAF1-Related Noonan Syndrome. Identifiers: Orphanet 648, MedGen C1969057, MONDO:0012690, OMIM 611553. Disease mechanism: gain of function.

Allele frequency attached by ClinVar (database versions not stated): gnomAD 0.00001; TOPMed 0.00001; ExAC 0.00002; gnomAD exomes 0.00002.
gnomAD v4.1: 35 of 1,613,998 alleles (0.0022%); highest among the groups gnomAD compares: South Asian, 0.0055%; no homozygotes.

Submissions (8):

PreventionGenetics, part of Exact Sciences
Classification: Uncertain significance for RAF1-related condition. Last evaluated: 2025-12-18. Review status: criteria provided, single submitter. Criteria: ACMG Guidelines, 2015. Collection method: clinical testing. Allele origin: germline.
Comment: The RAF1 c.1688G>A variant is predicted to result in the amino acid substitution p.Arg563Gln. This variant has been reported in an individual with cardiomyopathy (Table S2, Akinrinade et al. 2023. PubMed ID: 37477868). This variant is reported in 0.0062% of alleles in individuals of African descent in gnomAD. At this time, the clinical significance of this variant is uncertain due to the absence of conclusive functional and genetic evidence.

Labcorp Genetics (formerly Invitae), Labcorp
Classification: Uncertain significance for RASopathy. Last evaluated: 2025-12-06. Review status: criteria provided, single submitter. Criteria: Invitae Variant Classification Sherloc (09022015). Collection method: clinical testing. Allele origin: germline.
Comment: This sequence change replaces arginine, which is basic and polar, with glutamine, which is neutral and polar, at codon 563 of the RAF1 protein (p.Arg563Gln). This variant is present in population databases (rs727504827, gnomAD 0.007%). This variant has not been reported in the literature in individuals affected with RAF1-related conditions. ClinVar contains an entry for this variant (Variation ID: 179378). Invitae Evidence Modeling of protein sequence and biophysical properties (such as structural, functional, and spatial information, amino acid conservation, physicochemical variation, residue mobility, and thermodynamic stability) indicates that this missense variant is expected to disrupt RAF1 protein function with a positive predictive value of 95%. In summary, the available evidence is currently insufficient to determine the role of this variant in disease. Therefore, it has been classified as a Variant of Uncertain Significance.

Ambry Genetics
Classification: Uncertain significance for Cardiovascular phenotype. Last evaluated: 2024-07-23. Review status: criteria provided, single submitter. Criteria: Ambry Variant Classification Scheme 2023. Collection method: clinical testing. Allele origin: germline.
Comment: The p.R563Q variant (also known as c.1688G>A), located in coding exon 15 of the RAF1 gene, results from a G to A substitution at nucleotide position 1688. The arginine at codon 563 is replaced by glutamine, an amino acid with highly similar properties. This alteration has been reported in a cardiomyopathy cohort (Akinrinade O et al. J Cardiovasc Transl Res, 2023 Dec;16:1287-1302). This amino acid position is highly conserved in available vertebrate species. In addition, this alteration is predicted to be deleterious by in silico analysis. Based on the available evidence, the clinical significance of this variant remains unclear.

ARUP Laboratories, Molecular Genetics and Genomics, ARUP Laboratories
Classification: Uncertain significance. Last evaluated: 2023-10-18. Review status: criteria provided, single submitter. Criteria: ARUP Molecular Germline Variant Investigation Process 2024. Collection method: clinical testing. Allele origin: germline.
Comment: The RAF1 c.1688G>A; p.Arg563Gln variant (rs727504827), to our knowledge, is not reported in the medical literature but is reported in ClinVar (Variation ID: 179378). This variant is found in the general population with an overall allele frequency of 0.002 % (5/251250 alleles) in the Genome Aggregation Database. Computational analyses predict that this variant is deleterious (REVEL: 0.777). Due to limited information, the clinical significance of this variant is uncertain at this time.

Institute for Genomic Medicine (IGM) Clinical Laboratory, Nationwide Children's Hospital
Classification: Uncertain significance for Noonan syndrome 5. Last evaluated: 2023-06-01. Review status: criteria provided, single submitter. Criteria: ACMG Guidelines, 2015. Collection method: clinical testing. Allele origin: germline.
Comment: Well-established functional studies have demonstrated this variant to have a damaging effect on protein function or splicing (ACMG/AMP: PS3_Supporting; PMIDs:21917714, 33910125). This variant is absent from or present at an exceedingly low frequency in gnomAD, a large-scale control population database (ACMG/AMP: PM2).

Blueprint Genetics
Classification: Likely benign. Last evaluated: 2022-08-08. Review status: criteria provided, single submitter. Criteria: ACMG Guidelines, 2015. Collection method: clinical testing. Allele origin: germline.

GeneDx
Classification: Uncertain significance. Last evaluated: 2020-01-30. Review status: criteria provided, single submitter. Criteria: GeneDx Variant Classification Process June 2021. Collection method: clinical testing. Allele origin: germline. Affected: yes.
Comment: In silico analysis, which includes protein predictors and evolutionary conservation, supports a deleterious effect; The majority of missense variants in this gene are considered pathogenic (Stenson et al., 2014); Has not been previously published as pathogenic or benign to our knowledge

Laboratory for Molecular Medicine, Mass General Brigham Personalized Medicine
Classification: Uncertain significance. Last evaluated: 2014-03-06. Review status: criteria provided, single submitter. Criteria: LMM Criteria. Collection method: clinical testing. Allele origin: germline. Observed: 2 variant alleles.
Comment: Computational predictio n tools and conservation analyses do not provide strong support for or against a n impact to the normal function of the protein. In summary, additional informati on is needed to assess the clinical significance of the Arg563Gln variant.

Literature cited by the submitters: PubMed 37477868 (cited by Ambry Genetics); PubMed 21917714 (cited by Institute for Genomic Medicine (IGM) Clinical Laboratory, Nationwide Children's Hospital); PubMed 33910125 (cited by Institute for Genomic Medicine (IGM) Clinical Laboratory, Nationwide Children's Hospital).

NM_002880.4(RAF1):c.1688G>A (p.Arg563Gln)

Gene: RAF1 (Raf-1 proto-oncogene, serine/threonine kinase; minus strand). Cytogenetic location: 3p25.2.
Variant type: single nucleotide variant.
Coding change: c.1688G>A on transcript NM_002880.4 (MANE Select); coding-DNA position 1688, G replaced by A.
Protein change: p.Arg563Gln; replaces arginine 563 with glutamine.
Molecular consequence: missense variant. On other transcripts: non-coding transcript variant (3).
Genome position (GRCh38, 1-based): chr3:12,584,962, C>T on the plus strand (G>A on the coding strand, the complement: RAF1 is on the minus strand). VCF-style: chr3-12584962-C-T. GRCh37 (hg19) VCF-style: chr3-12626461-C-T.
Other names: c.1748G>A, p.Arg583Gln (NM_001354689.3); c.1688G>A, p.Arg563Gln (NM_001354690.3); c.1445G>A, p.Arg482Gln (NM_001354691.3, NM_001354692.3); c.1589G>A, p.Arg530Gln (NM_001354693.3); c.1505G>A, p.Arg502Gln (NM_001354694.3); c.1346G>A, p.Arg449Gln (NM_001354695.3); short protein forms R563Q, R449Q, R482Q, R502Q, R530Q, R583Q.
Identifiers: ClinVar variation 179378 (VCV000179378.20), dbSNP rs727504827, ClinGen allele CA184304.